The following is an entry in ClinVar:

NM_001379286.1(ZNF423):c.949A>G (p.Thr317Ala)

Gene: ZNF423 (zinc finger protein 423; minus strand). Cytogenetic location: 16q12.1.
Variant type: single nucleotide variant.
Coding change: c.949A>G on transcript NM_001379286.1 (MANE Select); coding-DNA position 949, A replaced by G.
Protein change: p.Thr317Ala; replaces threonine 317 with alanine.
Molecular consequence: missense variant.
Genome position (GRCh38, 1-based): chr16:49,638,227, T>C on the plus strand (A>G on the coding strand, the complement: ZNF423 is on the minus strand). VCF-style: chr16-49638227-T-C. GRCh37 (hg19) VCF-style: chr16-49672138-T-C.
Other names: c.745A>G, p.Thr249Ala (NM_001271620.2); c.574A>G, p.Thr192Ala (NM_001330533.2); c.925A>G, p.Thr309Ala (NM_015069.5); short protein forms T192A, T317A, T249A, T309A.
Identifiers: ClinVar variation 2189245 (VCV002189245.4), dbSNP rs1027456653, ClinGen allele CA395850914.

ClinVar aggregate classification (germline): Uncertain significance (1 of 4 stars; one submission).

Conditions:
Nephronophthisis 14 (NPHP14). Identifiers: Orphanet 2318, MedGen C3539071, MONDO:0013916, OMIM 614844.

Submission:

Labcorp Genetics (formerly Invitae), Labcorp
Classification: Uncertain significance for Nephronophthisis 14. Last evaluated: 2024-10-15. Review status: criteria provided, single submitter. Criteria: Invitae Variant Classification Sherloc (09022015). Collection method: clinical testing. Allele origin: germline.
Comment: This sequence change replaces threonine, which is neutral and polar, with alanine, which is neutral and non-polar, at codon 309 of the ZNF423 protein (p.Thr309Ala). This variant is not present in population databases (gnomAD no frequency). This variant has not been reported in the literature in individuals affected with ZNF423-related conditions. ClinVar contains an entry for this variant (Variation ID: 2189245). Invitae Evidence Modeling of protein sequence and biophysical properties (such as structural, functional, and spatial information, amino acid conservation, physicochemical variation, residue mobility, and thermodynamic stability) indicates that this missense variant is not expected to disrupt ZNF423 protein function with a negative predictive value of 80%. In summary, the available evidence is currently insufficient to determine the role of this variant in disease. Therefore, it has been classified as a Variant of Uncertain Significance.